The following is an entry in ClinVar:

ClinVar aggregate classification (germline): Uncertain significance (1 of 4 stars; one submission).

Allele frequency attached by ClinVar (database versions not stated): gnomAD exomes below 0.00001.
gnomAD v4.1: 1 of 1,614,222 alleles (0.000062%); highest among the groups gnomAD compares: Non-Finnish European, 0.000085%; no homozygotes.

Submission:

Labcorp Genetics (formerly Invitae), Labcorp
Classification: Uncertain significance. Last evaluated: 2022-10-25. Review status: criteria provided, single submitter. Criteria: Invitae Variant Classification Sherloc (09022015). Collection method: clinical testing. Allele origin: germline.
Comment: This variant is not present in population databases (gnomAD no frequency). In summary, the available evidence is currently insufficient to determine the role of this variant in disease. Therefore, it has been classified as a Variant of Uncertain Significance. Advanced modeling of protein sequence and biophysical properties (such as structural, functional, and spatial information, amino acid conservation, physicochemical variation, residue mobility, and thermodynamic stability) performed at Invitae indicates that this missense variant is not expected to disrupt SRCAP protein function. This variant has not been reported in the literature in individuals affected with SRCAP-related conditions. This sequence change replaces serine, which is neutral and polar, with proline, which is neutral and non-polar, at codon 1828 of the SRCAP protein (p.Ser1828Pro).

NM_006662.3(SRCAP):c.5482T>C (p.Ser1828Pro)

Gene: SRCAP (Snf2 related CREBBP activator protein; plus strand). Cytogenetic location: 16p11.2.
Variant type: single nucleotide variant.
Coding change: c.5482T>C on transcript NM_006662.3 (MANE Select); coding-DNA position 5482, T replaced by C.
Protein change: p.Ser1828Pro; replaces serine 1828 with proline.
Molecular consequence: missense variant.
Genome position (GRCh38, 1-based): chr16:30,724,906, T>C. VCF-style: chr16-30724906-T-C. GRCh37 (hg19) VCF-style: chr16-30736227-T-C.
Other names: short protein forms S1828P.
Identifiers: ClinVar variation 2809592 (VCV002809592.3), dbSNP rs2506683461, ClinGen allele CA395618606.